The following is an entry in ClinVar:

NM_001943.5(DSG2):c.-5del

Genes: DSG2 (desmoglein 2; plus strand), LOC130062340 (ATAC-STARR-seq lymphoblastoid silent region 9384; plus strand). Cytogenetic location: 18q12.1.
Variant type: Deletion.
Coding change: c.-5del on transcript NM_001943.5 (MANE Select); 5 bases upstream of the start codon, one base deleted (G; older notation c.-5delG).
Molecular consequence: 5 prime UTR variant.
Genome position (GRCh38, 1-based): chr18:31,498,247, G deleted; the last of 3 consecutive G bases (chr18:31,498,245-31,498,247); deleting any one gives the same sequence. VCF-style (leftmost placement, unchanged base first): chr18-31498244-AG-A. GRCh37 (hg19) VCF-style: chr18-29078207-AG-A.
Identifiers: ClinVar variation 3075425 (VCV003075425.1), dbSNP rs1347978764, ClinGen allele CA629147182.

ClinVar aggregate classification (germline): Uncertain significance (1 of 4 stars; one submission).

Conditions:
Arrhythmogenic right ventricular cardiomyopathy (ARVD). Also called: Arrhythmogenic right ventricular dysplasia; Cardiomyopathy, ARVC; Arrhythmogenic cardiomyopathy; Arrhythmogenic Right Ventricular Cardiomyopathy (ARVC). Identifiers: Orphanet 247, MedGen C0349788, MeSH D019571, MONDO:0016587. Disease mechanism: loss of function. Inheritance: Various modes of inheritance.

Submission:

All of Us Research Program, National Institutes of Health
Classification: Uncertain significance for Arrhythmogenic right ventricular cardiomyopathy. Last evaluated: 2024-02-05. Review status: criteria provided, single submitter. Criteria: ACMG Guidelines, 2015. Collection method: clinical testing. Allele origin: germline. Inheritance: Autosomal dominant inheritance. Observed: 1 variant allele, 1 heterozygote.
Comment: This variant is located in the 5' untranslated region of the DSG2 gene. To our knowledge, functional studies have not been reported for this variant. This variant has been reported in an individual affected with arrhythmogenic right ventricular cardiomyopathy, who also carried a pathogenic variant in the PKP2 gene that could explain the observed phenotype (PMID: 30847666). This variant has been identified in 1/31046 chromosomes in the general population by the Genome Aggregation Database (gnomAD). The available evidence is insufficient to determine the role of this variant in disease conclusively. Therefore, this variant is classified as a Variant of Uncertain Significance.

This study involves interpretation of variants in research participants for the purpose of population health screening. Participant phenotype was not available at the time of variant classification. Additional details can be found in publication PMID: 35346344, PMCID: PMC8962531

Literature cited by the submitters: PubMed 30847666.